The following is an entry in ClinVar:

ClinVar aggregate classification (germline): Likely pathogenic (1 of 4 stars; one submission).

Conditions:
LRP2-related disorder. Also called: LRP2-related condition.

Submission:

PreventionGenetics, part of Exact Sciences
Classification: Likely pathogenic for LRP2-related condition. Last evaluated: 2025-08-18. Review status: criteria provided, single submitter. Criteria: ACMG Guidelines, 2015. Collection method: clinical testing. Allele origin: germline.
Comment: The LRP2 c.11015-1delG variant is predicted to result in a deletion affecting a canonical splice site. To our knowledge, this variant has not been reported in the literature or in a large population database (gnomAD), indicating this variant is rare. Variants that disrupt the consensus splice donor site in LRP2 are expected to be pathogenic. This variant is interpreted as likely pathogenic.

NM_004525.3(LRP2):c.11015-1del

Gene: LRP2 (LDL receptor related protein 2; minus strand). Cytogenetic location: 2q31.1.
Variant type: Deletion.
Coding change: c.11015-1del on transcript NM_004525.3 (MANE Select); the canonical splice acceptor site of the intron before coding-DNA position 11015, one base deleted (G; older notation c.11015-1delG).
Molecular consequence: splice acceptor variant.
Genome position (GRCh38, 1-based): chr2:169,173,225, C deleted on the plus strand (G on the coding strand, the reverse complement: LRP2 is on the minus strand). VCF-style (leftmost placement, unchanged base first): chr2-169173224-AC-A. GRCh37 (hg19) VCF-style: chr2-170029734-AC-A.
Identifiers: ClinVar variation 5001343 (VCV005001343.1).
Genomic context (GRCh38, chr2:169,173,224, plus strand): 5'-CAGCGGTAATTTGTTTTGCAGCTGAATTCTGTGAAGTTGTCACAGAGATGGGCAGAGCTC[AC>A]TGAAAAGGGAGGAGGCATCAAAGTCAGAACTGAAGGTACAAGAAAGCACCTTTCCATTGT-3'